The following is an entry in ClinVar:

NM_001079843.3(CASZ1):c.161C>T (p.Thr54Met)

Gene: CASZ1 (castor zinc finger 1; minus strand). Cytogenetic location: 1p36.22.
Variant type: single nucleotide variant.
Coding change: c.161C>T on transcript NM_001079843.3 (MANE Select); coding-DNA position 161, C replaced by T.
Protein change: p.Thr54Met; replaces threonine 54 with methionine.
Molecular consequence: missense variant.
Genome position (GRCh38, 1-based): chr1:10,665,427, G>A on the plus strand (C>T on the coding strand, the complement: CASZ1 is on the minus strand). VCF-style: chr1-10665427-G-A. GRCh37 (hg19) VCF-style: chr1-10725484-G-A.
Other names: c.161C>T, p.Thr54Met (NM_017766.5); short protein forms T54M.
Identifiers: ClinVar variation 4703263 (VCV004703263.1).

ClinVar aggregate classification (germline): Uncertain significance (1 of 4 stars; one submission).

Submission:

Labcorp Genetics (formerly Invitae), Labcorp
Classification: Uncertain significance. Last evaluated: 2025-03-04. Review status: criteria provided, single submitter. Criteria: Invitae Variant Classification Sherloc (09022015). Collection method: clinical testing. Allele origin: germline.
Comment: This sequence change replaces threonine, which is neutral and polar, with methionine, which is neutral and non-polar, at codon 54 of the CASZ1 protein (p.Thr54Met). This variant is present in population databases (rs762552975, gnomAD 0.004%). This variant has not been reported in the literature in individuals affected with CASZ1-related conditions. An algorithm developed to predict the effect of missense changes on protein structure and function (PolyPhen-2) suggests that this variant is likely to be disruptive. In summary, the available evidence is currently insufficient to determine the role of this variant in disease. Therefore, it has been classified as a Variant of Uncertain Significance.